The following is an entry in ClinVar:

ClinVar aggregate classification (germline): Conflicting classifications of pathogenicity. Review status: criteria provided, conflicting classifications (1 of 4 stars). 7 submissions from 7 submitters: Likely pathogenic (2); Uncertain significance (5). Last evaluated 2026-05-01.

Conditions:
MYH7-related disorder. Also called: MYH7-related condition; MYH7-related disease; MYH7-related disorders.
Cardiovascular phenotype. Identifiers: MedGen CN230736.
Cardiomyopathy (CMYO). Also called: Cardiomyopathies. Identifiers: Orphanet 167848, MedGen C0878544, MONDO:0004994, HP:0001638. Inheritance: Various modes of inheritance.
Hypertrophic cardiomyopathy 1 (CMH1). Also called: MYH7-Related Familial Hypertrophic Cardiomyopathy; Familial hypertrophic cardiomyopathy 1. Identifiers: MedGen C3495498, MONDO:0008647, OMIM 192600.
Hypertrophic cardiomyopathy. Also called: HYPERTROPHIC MYOCARDIOPATHY. Identifiers: Orphanet 217569, MedGen C0007194, MeSH D002312, MONDO:0005045, HP:0001639.

Allele frequency attached by ClinVar (database versions not stated): TOPMed 0.00002.
gnomAD v4.1: 20 of 1,609,270 alleles (0.0012%); highest among the groups gnomAD compares: Non-Finnish European, 0.0017%; no homozygotes.

Submissions (7):

CeGaT Center for Human Genetics Tuebingen
Classification: Uncertain significance. Last evaluated: 2026-05-01. Review status: criteria provided, single submitter. Criteria: CeGaT Center For Human Genetics Tuebingen Variant Classification Criteria Version 2. Collection method: clinical testing. Allele origin: germline. Affected: yes. Observed: 1 variant allele.
Comment: MYH7: PM2, PS4:Moderate

Ambry Genetics
Classification: Uncertain significance for Cardiovascular phenotype. Last evaluated: 2025-09-10. Review status: criteria provided, single submitter. Criteria: Ambry Variant Classification Scheme 2023. Collection method: clinical testing. Allele origin: germline.
Comment: The p.I1207M variant (also known as c.3621C>G), located in coding exon 25 of the MYH7 gene, results from a C to G substitution at nucleotide position 3621. The isoleucine at codon 1207 is replaced by methionine, an amino acid with highly similar properties. This variant has been detected in in an individual with hypertrophic cardiomyopathy (HCM) progressing to heart failure and transplant, and has also been detected in an individual from a dilated cardiomyopathy cohort; however, details were limited (Melacini P et al. Eur. Heart J., 2010 Sep;31:2111-23; Hey TM et al. Circ Heart Fail. 2020 10;13(10):e006701). This amino acid position is highly conserved in available vertebrate species. In addition, the in silico prediction for this alteration is inconclusive. Based on the available evidence, the clinical significance of this variant remains unclear.

Color Diagnostics, LLC DBA Color Health
Classification: Uncertain significance for Cardiomyopathy. Last evaluated: 2025-08-12. Review status: criteria provided, single submitter. Criteria: ACMG Guidelines, 2015. Collection method: clinical testing. Allele origin: germline.
Comment: This missense variant replaces isoleucine with methionine at codon 1207 of the MYH7 protein. Computational prediction is inconclusive regarding the impact of this variant on protein structure and function. To our knowledge, functional studies have not been reported for this variant. This variant has been reported in an individual affected with non-obstructive hypertrophic cardiomyopathy, atrial fibrillation and advanced heart failure (PMID: 20513729). It has also been reported in an individual affected with dilated cardiomyopathy (PMID: 33019804). This variant has not been identified in the general population by the Genome Aggregation Database (gnomAD). The available evidence is insufficient to determine the role of this variant in disease conclusively. Therefore, this variant is classified as a Variant of Uncertain Significance.

Labcorp Genetics (formerly Invitae), Labcorp
Classification: Uncertain significance for Hypertrophic cardiomyopathy. Last evaluated: 2024-05-08. Review status: criteria provided, single submitter. Criteria: Invitae Variant Classification Sherloc (09022015). Collection method: clinical testing. Allele origin: germline.
Comment: This sequence change replaces isoleucine, which is neutral and non-polar, with methionine, which is neutral and non-polar, at codon 1207 of the MYH7 protein (p.Ile1207Met). This variant is not present in population databases (gnomAD no frequency). This missense change has been observed in individual(s) with dilated cardiomyopathy and/or hypertrophic cardiomyopathy (PMID: 20513729, 33019804). ClinVar contains an entry for this variant (Variation ID: 418363). Advanced modeling of protein sequence and biophysical properties (such as structural, functional, and spatial information, amino acid conservation, physicochemical variation, residue mobility, and thermodynamic stability) has been performed at Invitae for this missense variant, however the output from this modeling did not meet the statistical confidence thresholds required to predict the impact of this variant on MYH7 protein function. In summary, the available evidence is currently insufficient to determine the role of this variant in disease. Therefore, it has been classified as a Variant of Uncertain Significance.

Illumina Laboratory Services, Illumina
Classification: Uncertain significance. Last evaluated: 2021-08-05. Review status: criteria provided, single submitter. Criteria: ICSLVariantClassificationCriteria RUGD 01 April 2020. Collection method: clinical testing. Allele origin: unknown.
Comment: This variant is not reported in version 2.1.1 or version 3.1.1 of the Genome Aggregation Database despite its location in a region of good sequencing coverage, suggesting it is rare. In silico algorithms are not consistent in their predictions of the functional effects of this variant. Based on the evidence, the p.Ile1207Met variant is classified as a variant of uncertain significance for MYH7-related disorders.

Mendelics
Classification: Likely pathogenic for Hypertrophic cardiomyopathy 1. Last evaluated: 2019-05-28. Review status: criteria provided, single submitter. Criteria: Mendelics Assertion Criteria 2017. Collection method: clinical testing. Allele origin: unknown.

GeneDx
Classification: Likely pathogenic. Last evaluated: 2015-09-14. Review status: criteria provided, single submitter. Criteria: GeneDx Variant Classification (06012015). Collection method: clinical testing. Allele origin: germline. Affected: yes.
Comment: The I1207M likely pathogenic variant in the MYH7 gene has been previously reported in an individual with HCM progressing to heart failure and requiring a heart transplant, and was not detected in 800 control alleles (Melacini et al., 2010). The I1209M variant was not observed in approximately 6,500 individuals of European and African American ancestry in the NHLBI Exome Sequencing Project, indicating it is not a common benign variant in these populations. This variant occurs at a position that is conserved across species and in silico predictions this variant is probably damaging to the protein structure/function. Furthermore, missense variants in nearby residues (E1205K, D1208N, N1209S, Q1215H) have been reported in the Human Gene Mutation Database in association with cardiomyopathy (Stenson et al, 2014), supporting the functional importance of this region of the protein. However, the I1207M is a conservative amino acid substitution, which is not likely to impact secondary protein structure as these residues share similar properties.Therefore, this variant is a strong candidate for a pathogenic variant, however the possibility that it is a benign variant cannot be excluded.

Literature cited by the submitters: PubMed 20513729 (cited by 4 submitters); PubMed 33019804 (cited by 3 submitters); PubMed 34542152 (cited by Ambry Genetics).

NM_000257.4(MYH7):c.3621C>G (p.Ile1207Met)

Gene: MYH7 (myosin heavy chain 7; minus strand). Cytogenetic location: 14q11.2.
Variant type: single nucleotide variant.
Coding change: c.3621C>G on transcript NM_000257.4 (MANE Select); coding-DNA position 3621, C replaced by G.
Protein change: p.Ile1207Met; replaces isoleucine 1207 with methionine.
Molecular consequence: missense variant.
Genome position (GRCh38, 1-based): chr14:23,419,950, G>C on the plus strand (C>G on the coding strand, the complement: MYH7 is on the minus strand). VCF-style: chr14-23419950-G-C. GRCh37 (hg19) VCF-style: chr14-23889159-G-C.
Other names: c.3621C>G (LRG_384t1); short protein forms I1207M.
Identifiers: ClinVar variation 418363 (VCV000418363.21), dbSNP rs529700838, ClinGen allele CA038128.